The following is an entry in ClinVar:

NM_002878.4(RAD51D):c.263+1467T>G

Genes: RAD51D (RAD51 paralog D; minus strand), RAD51L3-RFFL (RAD51L3-RFFL readthrough; minus strand). Cytogenetic location: 17q12.
Variant type: single nucleotide variant.
Coding change: c.263+1467T>G on transcript NM_002878.4 (MANE Select); 1467 bases into the intron after coding-DNA position 263, T replaced by G.
Molecular consequence: intron variant. On other transcripts: missense variant (1).
Genome position (GRCh38, 1-based): chr17:35,117,034, A>C on the plus strand (T>G on the coding strand, the complement: RAD51D is on the minus strand). VCF-style: chr17-35117034-A-C. GRCh37 (hg19) VCF-style: chr17-33444053-A-C.
Other names: c.148T>G, p.Trp50Gly (NM_001142571.2); c.144+2077T>G (NM_133629.3); short protein forms W50G.
Identifiers: ClinVar variation 5027834 (VCV005027834.1).

ClinVar aggregate classification (germline): Uncertain significance (1 of 4 stars; one submission).

Conditions:
Hereditary cancer-predisposing syndrome. Also called: Neoplastic Syndromes, Hereditary; Tumor predisposition; Hereditary neoplastic syndrome; Hereditary Cancer Syndrome. Identifiers: Orphanet 140162, MedGen C0027672, MeSH D009386, MONDO:0015356.

gnomAD v4.1: 5 of 1,610,754 alleles (0.00031%); highest among the groups gnomAD compares: East Asian, 0.0022%; no homozygotes.

Submission:

Ambry Genetics
Classification: Uncertain significance for Hereditary cancer-predisposing syndrome. Last evaluated: 2026-07-07. Review status: criteria provided, single submitter. Criteria: Ambry Variant Classification Scheme 2023. Collection method: clinical testing. Allele origin: germline.
Comment: The p.W50G variant (also known as c.148T>G), located in coding exon 3 of the RAD51D gene, results from a T to G substitution at nucleotide position 148. The tryptophan at codon 50 is replaced by glycine, an amino acid with highly dissimilar properties. This amino acid position is conserved. In addition, this alteration is predicted to be tolerated by in silico analysis. Based on the available evidence, the clinical significance of this variant remains unclear.